The following is an entry in ClinVar:

ClinVar aggregate classification (germline): Uncertain significance (1 of 4 stars; one submission).

gnomAD v4.1: 2 of 1,613,012 alleles (0.00012%); highest among the groups gnomAD compares: Non-Finnish European, 0.00017%; no homozygotes.

Submission:

Labcorp Genetics (formerly Invitae), Labcorp
Classification: Uncertain significance. Last evaluated: 2024-11-25. Review status: criteria provided, single submitter. Criteria: Invitae Variant Classification Sherloc (09022015). Collection method: clinical testing. Allele origin: germline.
Comment: This sequence change replaces valine, which is neutral and non-polar, with alanine, which is neutral and non-polar, at codon 2282 of the FAT4 protein (p.Val2282Ala). This variant is present in population databases (no rsID available, gnomAD 0.0009%). This variant has not been reported in the literature in individuals affected with FAT4-related conditions. An algorithm developed to predict the effect of missense changes on protein structure and function (PolyPhen-2) suggests that this variant is likely to be disruptive. In summary, the available evidence is currently insufficient to determine the role of this variant in disease. Therefore, it has been classified as a Variant of Uncertain Significance.

NM_001291303.3(FAT4):c.6845T>C (p.Val2282Ala)

Gene: FAT4 (FAT atypical cadherin 4; plus strand). Cytogenetic location: 4q28.1.
Variant type: single nucleotide variant.
Coding change: c.6845T>C on transcript NM_001291303.3 (MANE Select); coding-DNA position 6845, T replaced by C.
Protein change: p.Val2282Ala; replaces valine 2282 with alanine.
Molecular consequence: missense variant.
Genome position (GRCh38, 1-based): chr4:125,416,449, T>C. VCF-style: chr4-125416449-T-C. GRCh37 (hg19) VCF-style: chr4-126337604-T-C.
Other names: c.6845T>C, p.Val2282Ala (NM_001291285.3, NM_024582.6); short protein forms V2282A.
Identifiers: ClinVar variation 3688688 (VCV003688688.2).